The following is an entry in ClinVar:

ClinVar aggregate classification (germline): Pathogenic (1 of 4 stars; one submission).

Conditions:
Combined immunodeficiency with skin granulomas. Identifiers: Orphanet 157949, MedGen C2673536, MONDO:0009306, OMIM 233650.
Severe combined immunodeficiency, autosomal recessive, T cell-negative, B cell-negative, NK cell-positive. Also called: SCID, T CELL-NEGATIVE, B CELL-NEGATIVE, NK CELL-POSITIVE; Severe combined immunodeficiency due to complete RAG1/2 deficiency; SCID, AR, T-cell negative, B-cell negative, NK cell-positive. Identifiers: Orphanet 331206, MedGen C1832322, MONDO:0011086, OMIM 601457.

Submission:

Labcorp Genetics (formerly Invitae), Labcorp
Classification: Pathogenic for Combined immunodeficiency with skin granulomas; Severe combined immunodeficiency, autosomal recessive, T cell-negative, B cell-negative, NK cell-positive. Last evaluated: 2023-10-01. Review status: criteria provided, single submitter. Criteria: Invitae Variant Classification Sherloc (09022015). Collection method: clinical testing. Allele origin: germline.
Comment: This sequence change creates a premature translational stop signal (p.Thr369Argfs*39) in the RAG2 gene. While this is not anticipated to result in nonsense mediated decay, it is expected to disrupt the last 159 amino acid(s) of the RAG2 protein. This variant is not present in population databases (gnomAD no frequency). This variant has not been reported in the literature in individuals affected with RAG2-related conditions. This variant disrupts a region of the RAG2 protein in which other variant(s) (p.His481Arg) have been determined to be pathogenic (PMID: 32445296; Invitae). This suggests that this is a clinically significant region of the protein, and that variants that disrupt it are likely to be disease-causing. For these reasons, this variant has been classified as Pathogenic.

Literature cited by the submitters: PubMed 32445296.

NM_000536.4(RAG2):c.1104_1321del (p.Thr369fs)

Gene: RAG2 (recombination activating 2; minus strand). Cytogenetic location: 11p12.
Variant type: Deletion.
Coding change: c.1104_1321del on transcript NM_000536.4 (MANE Select); coding-DNA positions 1104 to 1321, 218 bases deleted.
Protein change: p.Thr369fs; shifts the reading frame from threonine 369.
Molecular consequence: frameshift variant.
Genome position (GRCh38, 1-based): chr11:36,592,848-36,593,065, 218 bases deleted. GRCh37 (hg19): chr11:36,614,399-36,614,616.
Other names: c.1104_1321del, p.Thr369fs (NM_001243785.2, NM_001243786.2); short protein forms T369fs.
Identifiers: ClinVar variation 2952413 (VCV002952413.3), dbSNP rs2494788285, ClinGen allele CA2740093707.